The following is an entry in ClinVar:

Conditions:
Breast-ovarian cancer, familial, susceptibility to, 1 (BROVCA1). Also called: BRCA1 Hereditary Breast and Ovarian Cancer; OVARIAN CANCER, SUSCEPTIBILITY TO. Identifiers: Orphanet 145, MedGen C2676676, MONDO:0011450, OMIM 604370. Disease mechanism: loss of function.

Submission:

Brotman Baty Institute, University of Washington
No classification provided (evidence only). Condition: Breast-ovarian cancer, familial 1. Review status: no classification provided. Collection method: in vitro. Allele origin: not applicable. Functional consequence: functionally_abnormal.
ClinVar note: "not provided" was previously submitted as the classification for the variant. However, the classification appeared to be based only on an observation of functional data so it was converted to no classification on 2025-07-30.

NM_007294.4(BRCA1):c.58A>T (p.Lys20Ter)

Gene: BRCA1 (BRCA1 DNA repair associated; minus strand). Cytogenetic location: 17q21.31.
Variant type: single nucleotide variant.
Coding change: c.58A>T on transcript NM_007294.4 (MANE Select); coding-DNA position 58, A replaced by T.
Protein change: p.Lys20Ter; replaces lysine 20 with a stop codon.
Molecular consequence: nonsense. On other transcripts: 5 prime UTR variant (1), non-coding transcript variant (1).
Genome position (GRCh38, 1-based): chr17:43,124,039, T>A on the plus strand (A>T on the coding strand, the complement: BRCA1 is on the minus strand). VCF-style: chr17-43124039-T-A. GRCh37 (hg19) VCF-style: chr17-41276056-T-A.
Other names: c.-131A>T (NM_001408479.1, NM_001408480.1, NM_001408481.1 and 46 more transcripts); c.-276A>T (NM_001408482.1); c.-247A>T (NM_001408492.1, NM_001407889.1); c.58A>T, p.Lys20Ter (NM_001408494.1, NM_001408495.1, NM_007298.4 and 193 more transcripts); c.-30A>T (NM_001408496.1, NM_001408498.1, NM_007297.4 and 23 more transcripts); c.-207A>T (NM_001408497.1, NM_001407741.1, NM_001407934.1); c.-203A>T (NM_001408499.1, NM_001408500.1, NM_001408503.1 and 22 more transcripts); c.-200A>T (NM_001408501.1, NM_001407694.1, NM_001407724.1 and 11 more transcripts); and 8 more; short protein forms K20*.
Identifiers: ClinVar variation 868744 (VCV000868744.3), dbSNP rs2055725050, ClinGen allele CA10602039.